The following is an entry in ClinVar:

ClinVar aggregate classification (germline): Conflicting classifications of pathogenicity. Review status: criteria provided, conflicting classifications (1 of 4 stars). 3 submissions from 3 submitters: Uncertain significance (2); Benign (1). Last evaluated 2025-10-13.

Allele frequency attached by ClinVar (database versions not stated): ExAC 0.00001; gnomAD exomes 0.00001; 1000 Genomes Project 30x 0.00016; 1000 Genomes Project 0.00020.
gnomAD v4.1: 1 of 1,613,048 alleles (0.000062%); highest among the groups gnomAD compares: East Asian, 0.0022%; no homozygotes.

Submissions (3):

Labcorp Genetics (formerly Invitae), Labcorp
Classification: Benign. Last evaluated: 2025-10-13. Review status: criteria provided, single submitter. Criteria: Invitae Variant Classification Sherloc (09022015). Collection method: clinical testing. Allele origin: germline.

Blueprint Genetics
Classification: Uncertain significance. Last evaluated: 2021-10-29. Review status: criteria provided, single submitter. Criteria: ACMG Guidelines, 2015. Collection method: clinical testing. Allele origin: germline.

GeneDx
Classification: Uncertain significance. Last evaluated: 2019-08-26. Review status: criteria provided, single submitter. Criteria: GeneDx Variant Classification Process June 2021. Collection method: clinical testing. Allele origin: germline. Affected: yes.
Comment: In silico analysis, which includes protein predictors and evolutionary conservation, supports a deleterious effect; Has not been previously published as pathogenic or benign to our knowledge

NM_001854.4(COL11A1):c.3869C>G (p.Ala1290Gly)

Gene: COL11A1 (collagen type XI alpha 1 chain; minus strand). Cytogenetic location: 1p21.1.
Variant type: single nucleotide variant.
Coding change: c.3869C>G on transcript NM_001854.4 (MANE Select); coding-DNA position 3869, C replaced by G.
Protein change: p.Ala1290Gly; replaces alanine 1290 with glycine.
Molecular consequence: missense variant. On other transcripts: non-coding transcript variant (1).
Genome position (GRCh38, 1-based): chr1:102,914,759, G>C on the plus strand (C>G on the coding strand, the complement: COL11A1 is on the minus strand). VCF-style: chr1-102914759-G-C. GRCh37 (hg19) VCF-style: chr1-103380315-G-C.
Other names: c.3752C>G, p.Ala1251Gly (NM_001190709.2); c.3905C>G, p.Ala1302Gly (NM_080629.3); c.3521C>G, p.Ala1174Gly (NM_080630.4); short protein forms A1174G, A1251G, A1290G, A1302G.
Identifiers: ClinVar variation 1211462 (VCV001211462.9), dbSNP rs199555214, ClinGen allele CA973788.